The following is an entry in ClinVar:

ClinVar aggregate classification (germline): Pathogenic (1 of 4 stars; one submission).

Submission:

GeneDx
Classification: Pathogenic. Last evaluated: 2017-05-05. Review status: criteria provided, single submitter. Criteria: GeneDx Variant Classification (06012015). Collection method: clinical testing. Allele origin: germline. Affected: yes.
Comment: The c.351dupT pathogenic variant in the ZEB2 gene causes a frameshift starting with codon Aspartic acid 118 and changes this amino acid to a premature Stop codon, denoted p.Asp118Ter. This pathogenic variant is predicted to cause loss of normal protein function either through protein truncation or nonsense-mediated mRNA decay. The c.351dupT variant is not observed in large population cohorts (Lek et al., 2016; 1000 Genomes Consortium et al., 2015; Exome Variant Server).

NM_014795.4(ZEB2):c.351dup (p.Asp118Ter)

Gene: ZEB2 (zinc finger E-box binding homeobox 2; minus strand). Cytogenetic location: 2q22.3.
Variant type: Duplication.
Coding change: c.351dup on transcript NM_014795.4 (MANE Select); coding-DNA position 351, one base duplicated (T; older notation c.351dupT).
Protein change: p.Asp118Ter; replaces aspartic acid 118 with a stop codon.
Molecular consequence: nonsense. On other transcripts: intron variant (1).
Genome position (GRCh38, 1-based): chr2:144,424,848, A duplicated on the plus strand (T on the coding strand, the reverse complement: ZEB2 is on the minus strand). VCF-style (leftmost placement, unchanged base first): chr2-144424847-C-CA. GRCh37 (hg19) VCF-style: chr2-145182414-C-CA.
Other names: c.331+4921dup (NM_001171653.2); c.351dupT (NM_014795.3); short protein forms D118*.
Identifiers: ClinVar variation 429304 (VCV000429304.2), dbSNP rs1131691309, ClinGen allele CA645369161.